The following is an entry in ClinVar:

ClinVar aggregate classification (germline): Pathogenic (1 of 4 stars; one submission).

Conditions:
DYRK1A-related intellectual disability syndrome (MRD7). Also called: DYRK1A Syndrome; Intellectual developmental disorder, autosomal dominant 7. Identifiers: Orphanet 464306, MedGen C5568143, MONDO:0013578, OMIM 614104.

Submission:

Daryl Scott Lab, Baylor College of Medicine
Classification: Pathogenic for DYRK1A-related intellectual disability syndrome. Last evaluated: 2025-08-25. Review status: criteria provided, single submitter. Criteria: ACMG Guidelines, 2015. Collection method: clinical testing. Allele origin: de novo. Affected: yes. Observed: 1 heterozygote.
Comment: PVS1, PS2, PM2

NM_001347721.2(DYRK1A):c.959_968del (p.Ser320fs)

Gene: DYRK1A (dual specificity tyrosine phosphorylation regulated kinase 1A; plus strand). Cytogenetic location: 21q22.13.
Variant type: Deletion.
Coding change: c.959_968del on transcript NM_001347721.2 (MANE Select); coding-DNA positions 959 to 968, 10 bases deleted (CTCCAGAGGT; older notation c.959_968delCTCCAGAGGT).
Protein change: p.Ser320fs; shifts the reading frame from serine 320.
Molecular consequence: frameshift variant.
Genome position (GRCh38, 1-based): chr21:37,493,051-37,493,060, CTCCAGAGGT deleted; deleting any 10 consecutive bases within chr21:37,493,048-37,493,060 gives the same sequence; the c. name uses the placement nearest the transcript's 3' end. VCF-style (leftmost placement, unchanged base first): chr21-37493047-CGGTCTCCAGA-C. GRCh37 (hg19) VCF-style: chr21-38865349-CGGTCTCCAGA-C.
Other names: c.959_968del, p.Ser320fs (NM_001347722.2, NM_130436.2); c.872_881del, p.Ser291fs (NM_001347723.2); c.986_995del, p.Ser329fs (NM_001396.5, NM_101395.2, NM_130438.2); short protein forms S291fs, S320fs, S329fs.
Identifiers: ClinVar variation 4279694 (VCV004279694.1).